The following is an entry in ClinVar:

ClinVar aggregate classification (germline): Uncertain significance (1 of 4 stars; one submission).

Conditions:
Lysinuric protein intolerance (LPI). Identifiers: Orphanet 470, MedGen C0268647, MONDO:0009109, OMIM 222700.

Allele frequency attached by ClinVar (database versions not stated): TOPMed 0.00001.
gnomAD v4.1: 2 of 1,613,944 alleles (0.00012%); highest among the groups gnomAD compares: Non-Finnish European, 0.00017%; no homozygotes.

Submission:

Labcorp Genetics (formerly Invitae), Labcorp
Classification: Uncertain significance for Lysinuric protein intolerance. Last evaluated: 2022-07-30. Review status: criteria provided, single submitter. Criteria: Invitae Variant Classification Sherloc (09022015). Collection method: clinical testing. Allele origin: germline.
Comment: This sequence change replaces aspartic acid, which is acidic and polar, with glycine, which is neutral and non-polar, at codon 439 of the SLC7A7 protein (p.Asp439Gly). This variant is not present in population databases (gnomAD no frequency). This variant has not been reported in the literature in individuals affected with SLC7A7-related conditions. Algorithms developed to predict the effect of missense changes on protein structure and function are either unavailable or do not agree on the potential impact of this missense change (SIFT: "Tolerated"; PolyPhen-2: "Possibly Damaging"; Align-GVGD: "Class C0"). Algorithms developed to predict the effect of sequence changes on RNA splicing suggest that this variant may create or strengthen a splice site. In summary, the available evidence is currently insufficient to determine the role of this variant in disease. Therefore, it has been classified as a Variant of Uncertain Significance.

NM_003982.4(SLC7A7):c.1316A>G (p.Asp439Gly)

Gene: SLC7A7 (solute carrier family 7 member 7; minus strand). Cytogenetic location: 14q11.2.
Variant type: single nucleotide variant.
Coding change: c.1316A>G on transcript NM_003982.4 (MANE Select); coding-DNA position 1316, A replaced by G.
Protein change: p.Asp439Gly; replaces aspartic acid 439 with glycine.
Molecular consequence: missense variant.
Genome position (GRCh38, 1-based): chr14:22,774,046, T>C on the plus strand (A>G on the coding strand, the complement: SLC7A7 is on the minus strand). VCF-style: chr14-22774046-T-C. GRCh37 (hg19) VCF-style: chr14-23243255-T-C.
Other names: c.1316A>G, p.Asp439Gly (NM_001126105.3, NM_001126106.4); short protein forms D439G.
Identifiers: ClinVar variation 1929951 (VCV001929951.2), dbSNP rs751555749, ClinGen allele CA257723840.